The following is an entry in ClinVar:

NM_001003800.2(BICD2):c.1400A>G (p.His467Arg)

Gene: BICD2 (BICD cargo adaptor 2; minus strand). Cytogenetic location: 9q22.31.
Variant type: single nucleotide variant.
Coding change: c.1400A>G on transcript NM_001003800.2 (MANE Select); coding-DNA position 1400, A replaced by G.
Protein change: p.His467Arg; replaces histidine 467 with arginine.
Molecular consequence: missense variant.
Genome position (GRCh38, 1-based): chr9:92,719,245, T>C on the plus strand (A>G on the coding strand, the complement: BICD2 is on the minus strand). VCF-style: chr9-92719245-T-C. GRCh37 (hg19) VCF-style: chr9-95481527-T-C.
Other names: c.1400A>G, p.His467Arg (NM_015250.4); short protein forms H467R.
Identifiers: ClinVar variation 572339 (VCV000572339.9), dbSNP rs1564060261, ClinGen allele CA374038365.
Genomic context (GRCh38, chr9:92,719,245, plus strand): 5'-AGGGAGACCTTCTCCGTGAGTGCCTGGCCCTCAGCCTCATAGCGGCCCTTCTCCTCGGCG[T>C]GCTGGGCCTCACGAGCCTCGTGCGTGCTGCGCAGTGCCTTGAGCTGCTCGCGGAGCTCGC-3'
Protein context (NP_001003800.1, residues 457-477): RSTHEAREAQ[His467Arg]AEEKGRYEAE

ClinVar aggregate classification (germline): Uncertain significance (1 of 4 stars; one submission).

Conditions:
Autosomal dominant childhood-onset proximal spinal muscular atrophy with contractures (SMALED2A). Also called: SPINAL MUSCULAR ATROPHY, LOWER EXTREMITY-PREDOMINANT, 2A, CHILDHOOD ONSET, AUTOSOMAL DOMINANT; Spinal muscular atrophy, lower extremity-predominant, 2A, autosomal dominant. Identifiers: Orphanet 363447, Orphanet 363454, MedGen C4747715, MONDO:0014121, OMIM 615290.

Submission:

Labcorp Genetics (formerly Invitae), Labcorp
Classification: Uncertain significance for Autosomal dominant childhood-onset proximal spinal muscular atrophy with contractures. Last evaluated: 2018-03-23. Review status: criteria provided, single submitter. Criteria: Invitae Variant Classification Sherloc (09022015). Collection method: clinical testing. Allele origin: germline.
Comment: This sequence change replaces histidine with arginine at codon 467 of the BICD2 protein (p.His467Arg). The histidine residue is weakly conserved and there is a small physicochemical difference between histidine and arginine. This variant is not present in population databases (ExAC no frequency). This variant has not been reported in the literature in individuals with BICD2-related disease. Algorithms developed to predict the effect of missense changes on protein structure and function output the following: SIFT: "Tolerated"; PolyPhen-2: "Benign"; Align-GVGD: "Class C0". The arginine amino acid residue is found in multiple mammalian species, suggesting that this missense change does not adversely affect protein function. These predictions have not been confirmed by published functional studies and their clinical significance is uncertain. In summary, the available evidence is currently insufficient to determine the role of this variant in disease. Therefore, it has been classified as a Variant of Uncertain Significance.